The following is an entry in ClinVar:

NM_020366.4(RPGRIP1):c.2021C>A (p.Pro674His)

Gene: RPGRIP1 (RPGR interacting protein 1; plus strand). Cytogenetic location: 14q11.2.
Variant type: single nucleotide variant.
Coding change: c.2021C>A on transcript NM_020366.4 (MANE Select); coding-DNA position 2021, C replaced by A.
Protein change: p.Pro674His; replaces proline 674 with histidine.
Molecular consequence: missense variant. On other transcripts: intron variant (4).
Genome position (GRCh38, 1-based): chr14:21,324,876, C>A. VCF-style: chr14-21324876-C-A. GRCh37 (hg19) VCF-style: chr14-21793035-C-A.
Other names: c.947C>A, p.Pro316His (NM_001377948.1); c.796+151C>A (NM_001377949.1); c.689-2747C>A (NM_001377523.1, NM_001377950.1); c.191-2747C>A (NM_001377951.1); short protein forms P316H, P674H.
Identifiers: ClinVar variation 3249836 (VCV003249836.3).

ClinVar aggregate classification (germline): Likely pathogenic. Review status: criteria provided, multiple submitters, no conflicts (2 of 4 stars). 2 submissions from 2 submitters: Likely pathogenic (2). Last evaluated 2024-04-03.

Conditions:
Cone-rod dystrophy 13 (CORD13). Identifiers: Orphanet 1872, MedGen C2750720, MONDO:0011987, OMIM 608194.
Leber congenital amaurosis 6 (LCA6). Identifiers: Orphanet 65, MedGen C1854260, MONDO:0013446, OMIM 613826.
Retinal dystrophy. Also called: Inherited retinal dystrophy. Identifiers: Orphanet 71862, MedGen C0854723, MeSH D058499, MONDO:0019118, HP:0000556.

Submissions (2):

Labcorp Genetics (formerly Invitae), Labcorp
Classification: Likely pathogenic for Leber congenital amaurosis 6; Cone-rod dystrophy 13. Last evaluated: 2024-04-03. Review status: criteria provided, single submitter. Criteria: Invitae Variant Classification Sherloc (09022015). Collection method: clinical testing. Allele origin: germline.
Comment: This sequence change replaces proline, which is neutral and non-polar, with histidine, which is basic and polar, at codon 674 of the RPGRIP1 protein (p.Pro674His). This variant is present in population databases (rs760192969, gnomAD 0.0009%). This missense change has been observed in individuals with RPGRIP1-related retinal dystrophies (PMID: 26103963, 32531858, 33090715). Advanced modeling of protein sequence and biophysical properties (such as structural, functional, and spatial information, amino acid conservation, physicochemical variation, residue mobility, and thermodynamic stability) performed at Invitae indicates that this missense variant is expected to disrupt RPGRIP1 protein function with a positive predictive value of 80%. This variant disrupts the p.Pro674 amino acid residue in RPGRIP1. Other variant(s) that disrupt this residue have been observed in individuals with RPGRIP1-related conditions (PMID: 26103963, 28456785, 32531858, 33090715), which suggests that this may be a clinically significant amino acid residue. In summary, the currently available evidence indicates that the variant is pathogenic, but additional data are needed to prove that conclusively. Therefore, this variant has been classified as Likely Pathogenic.

Institute of Human Genetics, Univ. Regensburg, Univ. Regensburg
Classification: Likely pathogenic for Retinal dystrophy. Last evaluated: 2016-01-01. Review status: criteria provided, single submitter. Criteria: ACMG Guidelines, 2015. Collection method: clinical testing. Allele origin: germline. Affected: yes.

Literature cited by the submitters: PubMed 26103963 (cited by Labcorp Genetics (formerly Invitae), Labcorp and Institute of Human Genetics, Univ. Regensburg, Univ. Regensburg); PubMed 32531858 (cited by Labcorp Genetics (formerly Invitae), Labcorp and Institute of Human Genetics, Univ. Regensburg, Univ. Regensburg); PubMed 33090715 (cited by Labcorp Genetics (formerly Invitae), Labcorp and Institute of Human Genetics, Univ. Regensburg, Univ. Regensburg); PubMed 28456785 (cited by Labcorp Genetics (formerly Invitae), Labcorp); PubMed 31964843 (cited by Institute of Human Genetics, Univ. Regensburg, Univ. Regensburg).